The following is an entry in ClinVar:

NM_001165963.4(SCN1A):c.2399T>C (p.Leu800Pro)

Gene: SCN1A (sodium voltage-gated channel alpha subunit 1; minus strand). Cytogenetic location: 2q24.3.
Variant type: single nucleotide variant.
Coding change: c.2399T>C on transcript NM_001165963.4 (MANE Select); coding-DNA position 2399, T replaced by C.
Protein change: p.Leu800Pro; replaces leucine 800 with proline.
Molecular consequence: missense variant. On other transcripts: 5 prime UTR variant (1), non-coding transcript variant (1).
Genome position (GRCh38, 1-based): chr2:166,041,247, A>G on the plus strand (T>C on the coding strand, the complement: SCN1A is on the minus strand). VCF-style: chr2-166041247-A-G. GRCh37 (hg19) VCF-style: chr2-166897757-A-G.
Other names: c.2315T>C, p.Leu772Pro (NM_001165964.3, NM_001353957.2, NM_001353958.2); c.2399T>C, p.Leu800Pro (NM_001202435.3, NM_001353948.2); c.2366T>C, p.Leu789Pro (NM_001353949.2, NM_001353950.2, NM_001353951.2 and 2 more transcripts); c.2363T>C, p.Leu788Pro (NM_001353954.2, NM_001353955.2); c.2312T>C, p.Leu771Pro (NM_001353960.2); c.-60T>C (NM_001353961.2); short protein forms L772P, L788P, L789P, L771P, L800P.
Identifiers: ClinVar variation 1435874 (VCV001435874.9), dbSNP rs2105827389, ClinGen allele CA349063742.
Genomic context (GRCh38, chr2:166,041,247, plus strand): 5'-AGAAAATTTGAAGACTAAACACATTTACCTTCCAATATGCTTACCAAGTTTCCTACTGTA[A>G]GCACATTATTGAAATGGTCCGTCATTGGATAGTGCTCCATGGCCATGAAAAGAGTATTTA-3'
Protein context (NP_001159435.1, residues 790-810): YPMTDHFNNV[Leu800Pro]TVGNLVFTGI

ClinVar aggregate classification (germline): Uncertain significance (1 of 4 stars; one submission).

Conditions:
Early-infantile DEE. Also called: Early infantile epileptic encephalopathy; Ohtahara syndrome; Early infantile epileptic encephalopathy with suppression bursts. Identifiers: Orphanet 1934, MedGen C0393706, MONDO:0800491.

Submission:

Labcorp Genetics (formerly Invitae), Labcorp
Classification: Uncertain significance for Early-infantile DEE. Last evaluated: 2022-06-27. Review status: criteria provided, single submitter. Criteria: Invitae Variant Classification Sherloc (09022015). Collection method: clinical testing. Allele origin: germline.
Comment: This sequence change replaces leucine, which is neutral and non-polar, with proline, which is neutral and non-polar, at codon 800 of the SCN1A protein (p.Leu800Pro). In summary, the available evidence is currently insufficient to determine the role of this variant in disease. Therefore, it has been classified as a Variant of Uncertain Significance. Advanced modeling of protein sequence and biophysical properties (such as structural, functional, and spatial information, amino acid conservation, physicochemical variation, residue mobility, and thermodynamic stability) performed at Invitae indicates that this missense variant is expected to disrupt SCN1A protein function. This variant has not been reported in the literature in individuals affected with SCN1A-related conditions. This variant is not present in population databases (gnomAD no frequency).